The following is an entry in ClinVar:

NM_000540.3(RYR1):c.13224_13235dup (p.Ser4409_Ala4412dup)

Gene: RYR1 (ryanodine receptor 1; plus strand). Cytogenetic location: 19q13.2.
Variant type: Duplication.
Coding change: c.13224_13235dup on transcript NM_000540.3 (MANE Select); coding-DNA positions 13224 to 13235, 12 bases duplicated (CAGCGAGGGCGC).
Protein change: p.Ser4409_Ala4412dup.
Molecular consequence: inframe insertion.
Genome position (GRCh38, 1-based): chr19:38,565,558-38,565,569, CAGCGAGGGCGC duplicated; duplicating any 12 consecutive bases within chr19:38,565,556-38,565,569 gives the same sequence; the c. name uses the placement nearest the transcript's 3' end. VCF-style (leftmost placement, unchanged base first): chr19-38565555-T-TGCCAGCGAGGGC. GRCh37 (hg19) VCF-style: chr19-39056195-T-TGCCAGCGAGGGC.
Other names: c.13224_13235dupCAGCGAGGGCGC (NM_000540.2); c.13209_13220dup, p.Ser4404_Ala4407dup (NM_001042723.2).
Identifiers: ClinVar variation 646087 (VCV000646087.6), dbSNP rs1599635941, ClinGen allele CA915953153.

ClinVar aggregate classification (germline): Uncertain significance (1 of 4 stars; one submission).

Conditions:
RYR1-related disorder. Also called: RYR1-related disorders; RYR1-related condition. Identifiers: MedGen CN239331.

Submission:

Labcorp Genetics (formerly Invitae), Labcorp
Classification: Uncertain significance for RYR1-related disorder. Last evaluated: 2021-08-30. Review status: criteria provided, single submitter. Criteria: Invitae Variant Classification Sherloc (09022015). Collection method: clinical testing. Allele origin: germline.
Comment: This variant, c.13224_13235dup, results in the insertion of 4 amino acid(s) to the RYR1 protein (p.Ser4409_Ala4412dup), but otherwise preserves the integrity of the reading frame. The frequency data for this variant in the population databases is considered unreliable, as metrics indicate insufficient coverage at this position in the ExAC database. This variant has not been reported in the literature in individuals affected with RYR1-related conditions. Experimental studies and prediction algorithms are not available or were not evaluated, and the functional significance of this variant is currently unknown. In summary, the available evidence is currently insufficient to determine the role of this variant in disease. Therefore, it has been classified as a Variant of Uncertain Significance.